The following is an entry in ClinVar:

ClinVar aggregate classification (germline): Likely benign (1 of 4 stars; one submission).

Allele frequency attached by ClinVar (database versions not stated): gnomAD exomes below 0.00001.
gnomAD v4.1: 1 of 1,210,569 alleles (0.000083%); highest among the groups gnomAD compares: Non-Finnish European, 0.00011%; no homozygotes.

Submission:

GeneDx
Classification: Likely benign. Last evaluated: 2018-02-28. Review status: criteria provided, single submitter. Criteria: GeneDx Variant Classification (06012015). Collection method: clinical testing. Allele origin: germline. Affected: yes.
Comment: This variant is considered likely benign or benign based on one or more of the following criteria: it is a conservative change, it occurs at a poorly conserved position in the protein, it is predicted to be benign by multiple in silico algorithms, and/or has population frequency not consistent with disease.

NM_004006.3(DMD):c.9705C>T (p.Gly3235=)

Gene: DMD (dystrophin; minus strand). Cytogenetic location: Xp21.2.
Variant type: single nucleotide variant.
Coding change: c.9705C>T on transcript NM_004006.3 (MANE Select); coding-DNA position 9705, C replaced by T.
Protein change: p.Gly3235=; no amino-acid change (glycine 3235 retained).
Molecular consequence: synonymous variant.
Genome position (GRCh38, 1-based): chrX:31,204,063, G>A on the plus strand (C>T on the coding strand, the complement: DMD is on the minus strand). VCF-style: chrX-31204063-G-A. GRCh37 (hg19) VCF-style: chrX-31222180-G-A.
Other names: c.9681C>T, p.Gly3227= (NM_000109.4); c.9693C>T, p.Gly3231= (NM_004009.3); c.9336C>T, p.Gly3112= (NM_004010.3); c.5682C>T, p.Gly1894= (NM_004011.4); c.5673C>T, p.Gly1891= (NM_004012.4); c.2325C>T, p.Gly775= (NM_004013.3, NM_004020.4, NM_004021.3 and 2 more transcripts); c.1518C>T, p.Gly506= (NM_004014.3); c.501C>T, p.Gly167= (NM_004015.3, NM_004016.3, NM_004017.3 and 2 more transcripts).
Identifiers: ClinVar variation 506904 (VCV000506904.1), dbSNP rs1556235441, ClinGen allele CA515856943.